The following is an entry in ClinVar:

NM_000552.5(VWF):c.1849G>C (p.Asp617His)

Gene: VWF (von Willebrand factor; minus strand). Cytogenetic location: 12p13.31.
Variant type: single nucleotide variant.
Coding change: c.1849G>C on transcript NM_000552.5 (MANE Select); coding-DNA position 1849, G replaced by C.
Protein change: p.Asp617His; replaces aspartic acid 617 with histidine.
Molecular consequence: missense variant.
Genome position (GRCh38, 1-based): chr12:6,056,953, C>G on the plus strand (G>C on the coding strand, the complement: VWF is on the minus strand). VCF-style: chr12-6056953-C-G. GRCh37 (hg19) VCF-style: chr12-6166119-C-G.
Other names: short protein forms D617H.
Identifiers: ClinVar variation 3361783 (VCV003361783.2).
Genomic context (GRCh38, chr12:6,056,953, plus strand): 5'-CTCTCCCCGCGCAGGCCGCGGCATAGCTGGCCAGGGCGCCGCACAGGCACTCGCGGCCGT[C>G]CGAGCAGGAGCACACGTCGTAGCGGCAGTTCCGCAGGTAGGGCAGCGGGCTGACGGCACG-3'
Protein context (NP_000543.3, residues 607-627): NCRYDVCSCS[Asp617His]GRECLCGALA

ClinVar aggregate classification (germline): Uncertain significance. Review status: criteria provided, multiple submitters, no conflicts (2 of 4 stars). 2 submissions from 2 submitters: Uncertain significance (2). Last evaluated 2025-02-06.

gnomAD v4.1: 24 of 1,538,340 alleles (0.0016%); highest among the groups gnomAD compares: African/African-American, 0.0069%; no homozygotes.

Submissions (2):

GeneDx
Classification: Uncertain significance. Last evaluated: 2025-02-06. Review status: criteria provided, single submitter. Criteria: GeneDx Variant Classification Process June 2021. Collection method: clinical testing. Allele origin: germline.
Comment: In silico analysis indicates that this missense variant does not alter protein structure/function; Has not been previously published as pathogenic or benign to our knowledge

Blueprint Genetics
Classification: Uncertain significance. Last evaluated: 2020-03-12. Review status: criteria provided, single submitter. Criteria: ACMG Guidelines, 2015. Collection method: clinical testing. Allele origin: germline.